The following is an entry in ClinVar:

ClinVar aggregate classification (somatic clinical impact): Tier II - Potential (1 of 4 stars; one submission).

Conditions:
Nasopharyngeal carcinoma. Also called: Nasopharyngeal carcinoma, somatic. Identifiers: Orphanet 150, MedGen C2931822, MONDO:0015459, OMIM 607107.

Submission:

Institute for Genomic Medicine (IGM) Clinical Laboratory, Nationwide Children's Hospital
Classification: Tier II - Potential for Nasopharyngeal carcinoma. Assertion type: diagnostic. Clinical significance: supports diagnosis. Last evaluated: 2023-03-28. Review status: criteria provided, single submitter. Criteria: AMP/ASCO/CAP Guidelines, 2017. Collection method: clinical testing. Allele origin: somatic. Affected: yes.
Comment: Variant has Tier II (potential) clinical significance as a diagnostic inclusion criterion in nasopharyngeal carcinoma, based on the following evidence: 1) Appears in one or more well-established professional guidelines (e.g., World Health Organization [WHO]; National Comprehensive Cancer Network [NCCN]) as providing diagnostic, prognostic, or therapeutic information (PMIDs: 24952746, 28098136, 35562651, 34234122, 36831585). 2) Diagnostic significance based on multiple small studies (Evidence Level C; PMIDs: 24952746, 28098136, 35562651, 34234122, 36831585).

Literature cited by the submitters: PubMed 24952746; PubMed 28098136; PubMed 35562651; PubMed 34234122; PubMed 36831585.

NM_001429.4(EP300):c.3988G>C (p.Asp1330His)

Gene: EP300 (EP300 lysine acetyltransferase; plus strand). Cytogenetic location: 22q13.2.
Variant type: single nucleotide variant.
Coding change: c.3988G>C on transcript NM_001429.4 (MANE Select); coding-DNA position 3988, G replaced by C.
Protein change: p.Asp1330His; replaces aspartic acid 1330 with histidine.
Molecular consequence: missense variant.
Genome position (GRCh38, 1-based): chr22:41,168,562, G>C. VCF-style: chr22-41168562-G-C. GRCh37 (hg19) VCF-style: chr22-41564566-G-C.
Other names: c.3910G>C, p.Asp1304His (NM_001362843.2); short protein forms D1304H, D1330H.
Identifiers: ClinVar variation 4530051 (VCV004530051.1).